The following is an entry in ClinVar:

ClinVar aggregate classification (germline): Likely benign (0 of 4 stars; one submission).

Conditions:
ANTXR1-related disorder. Also called: ANTXR1-related condition.

Allele frequency attached by ClinVar (database versions not stated): TOPMed 0.00001; gnomAD exomes 0.00002.
gnomAD v4.1: 23 of 1,611,136 alleles (0.0014%); highest among the groups gnomAD compares: Non-Finnish European, 0.0019%; no homozygotes.

Submission:

PreventionGenetics, part of Exact Sciences
Classification: Likely benign for ANTXR1-related condition. Last evaluated: 2019-02-18. Review status: no assertion criteria provided. Collection method: clinical testing. Allele origin: germline.
Comment: This variant is classified as likely benign based on ACMG/AMP sequence variant interpretation guidelines (Richards et al. 2015 PMID: 25741868, with internal and published modifications).

NM_032208.3(ANTXR1):c.1089+2074G>T

Gene: ANTXR1 (ANTXR cell adhesion molecule 1; plus strand). Cytogenetic location: 2p13.3.
Variant type: single nucleotide variant.
Coding change: c.1089+2074G>T on transcript NM_032208.3 (MANE Select); 2074 bases into the intron after coding-DNA position 1089, G replaced by T.
Molecular consequence: intron variant.
Genome position (GRCh38, 1-based): chr2:69,172,363, G>T. VCF-style: chr2-69172363-G-T. GRCh37 (hg19) VCF-style: chr2-69399495-G-T.
Other names: c.1090-4G>T (NM_053034.2).
Identifiers: ClinVar variation 3058086 (VCV003058086.2), dbSNP rs1674011815, ClinGen allele CA645538347.
Genomic context (GRCh38, chr2:69,172,363, plus strand): 5'-CTTAGCGTGTGTGTTGGCCCTGTGAGTTAGGCCACCTAATCTCCTTCCTAATGTATTTTG[G>T]CAGGAAAATAAAATAAAATAACAAGAAGAAGAAAGAAAGAAATCCCACAGAAACAGATAA-3'